The following is an entry in ClinVar:

ClinVar aggregate classification (germline): Uncertain significance (1 of 4 stars; one submission).

Conditions:
Severe combined immunodeficiency due to DNA-PKcs deficiency. Also called: IMMUNODEFICIENCY 26 WITH NEUROLOGIC ABNORMALITIES; Immunodeficiency 26 with or without neurologic abnormalities. Identifiers: Orphanet 317425, MedGen C4014833, MONDO:0014423, OMIM 615966.

Allele frequency attached by ClinVar (database versions not stated): gnomAD exomes below 0.00001; gnomAD 0.00001; TOPMed 0.00001.
gnomAD v4.1: 2 of 1,613,872 alleles (0.00012%); highest among the groups gnomAD compares: Admixed American, 0.0017%; no homozygotes.

Submission:

Labcorp Genetics (formerly Invitae), Labcorp
Classification: Uncertain significance for Severe combined immunodeficiency due to DNA-PKcs deficiency. Last evaluated: 2020-10-19. Review status: criteria provided, single submitter. Criteria: Invitae Variant Classification Sherloc (09022015). Collection method: clinical testing. Allele origin: germline.
Comment: This variant has not been reported in the literature in individuals with PRKDC-related conditions. This sequence change replaces leucine with valine at codon 3262 of the PRKDC protein (p.Leu3262Val). The leucine residue is moderately conserved and there is a small physicochemical difference between leucine and valine. This variant is not present in population databases (ExAC no frequency). Experimental studies and prediction algorithms are not available or were not evaluated, and the functional significance of this variant is currently unknown. In summary, the available evidence is currently insufficient to determine the role of this variant in disease. Therefore, it has been classified as a Variant of Uncertain Significance.

NM_006904.7(PRKDC):c.9784C>G (p.Leu3262Val)

Gene: PRKDC (protein kinase, DNA-activated, catalytic subunit; minus strand). Cytogenetic location: 8q11.21.
Variant type: single nucleotide variant.
Coding change: c.9784C>G on transcript NM_006904.7 (MANE Select); coding-DNA position 9784, C replaced by G.
Protein change: p.Leu3262Val; replaces leucine 3262 with valine.
Molecular consequence: missense variant.
Genome position (GRCh38, 1-based): chr8:47,803,444, G>C on the plus strand (C>G on the coding strand, the complement: PRKDC is on the minus strand). VCF-style: chr8-47803444-G-C. GRCh37 (hg19) VCF-style: chr8-48716005-G-C.
Other names: c.9784C>G, p.Leu3262Val (NM_001081640.2); short protein forms L3262V.
Identifiers: ClinVar variation 1023182 (VCV001023182.5), dbSNP rs980839570, ClinGen allele CA176146529.
Genomic context (GRCh38, chr8:47,803,444, plus strand): 5'-GGCAGTAGCTCTGCACCCAGCTCACCAGCCAATCGTCTCTGGTTTTTGACTCTTTATGCA[G>C]CTCCTTCAGTAGTTTCATAGCAAGTGAGAAATTGTTCTGTATGAATACAATAAAAAGAGA-3'
Protein context (NP_008835.5, residues 3252-3272): FSLAMKLLKE[Leu3262Val]HKESKTRDDW